The following is an entry in ClinVar:

NC_000003.12:g.81591165del

Gene: GBE1 (1,4-alpha-glucan branching enzyme 1; minus strand). Cytogenetic location: 3p12.2.
Variant type: Deletion.
Genome position: GRCh38 VCF-style: chr3-81591163-AC-A. GRCh37 (hg19) VCF-style: chr3-81640314-AC-A.
Identifiers: ClinVar variation 4081694 (VCV004081694.1).

ClinVar aggregate classification (germline): Likely pathogenic (1 of 4 stars; one submission).

Conditions:
Glycogen storage disease, type IV (GSD4). Also called: GBE1 DEFICIENCY; GLYCOGEN BRANCHING ENZYME DEFICIENCY; GLYCOGENOSIS IV; GSD IV; Glycogen storage disease due to glycogen branching enzyme deficiency; AMYLOPECTINOSIS. Identifiers: Orphanet 367, MedGen C0017923, MONDO:0009292, OMIM 232500.

Submission:

Myriad Genetics, Inc.
Classification: Likely pathogenic for Glycogen storage disease, type IV. Last evaluated: 2025-06-04. Review status: criteria provided, single submitter. Criteria: Myriad Autosomal Dominant, Autosomal Recessive and X-Linked Classification Criteria (2023). Collection method: clinical testing. Allele origin: unknown.
Comment: NM_000158.3(GBE1):c.1109delG(G370Vfs*16) is a frameshift variant classified as likely pathogenic in the context of glycogen storage disease, GBE1-related. G370Vfs*16 has not been observed in cases with relevant disease. Relevant functional assessments of this variant are not available in the literature. G370Vfs*16 has not been observed in referenced population frequency databases. In summary, NM_000158.3(GBE1):c.1109delG(G370Vfs*16) is a frameshift variant in a gene where loss of function is a known mechanism of disease, is predicted to disrupt protein function, and has been observed more frequently in cases with the relevant disease than in healthy populations. Please note: this variant was assessed in the context of healthy population screening.